The following is an entry in ClinVar:

ClinVar aggregate classification (germline): Uncertain significance (1 of 4 stars; one submission).

Submission:

Labcorp Genetics (formerly Invitae), Labcorp
Classification: Uncertain significance. Last evaluated: 2024-04-16. Review status: criteria provided, single submitter. Criteria: Invitae Variant Classification Sherloc (09022015). Collection method: clinical testing. Allele origin: germline.
Comment: This sequence change creates a premature translational stop signal (p.His627Ilefs*17) in the SLC27A5 gene. While this is not anticipated to result in nonsense mediated decay, it is expected to disrupt the last 64 amino acid(s) of the SLC27A5 protein. This variant is present in population databases (rs777720763, gnomAD 0.005%). This variant has not been reported in the literature in individuals affected with SLC27A5-related conditions. In summary, the available evidence is currently insufficient to determine the role of this variant in disease. Therefore, it has been classified as a Variant of Uncertain Significance.

NM_012254.3(SLC27A5):c.1879del (p.His627fs)

Gene: SLC27A5 (solute carrier family 27 member 5; minus strand). Cytogenetic location: 19q13.43.
Variant type: Deletion.
Coding change: c.1879del on transcript NM_012254.3 (MANE Select); coding-DNA position 1879, one base deleted (C; older notation c.1879delC).
Protein change: p.His627fs; shifts the reading frame from histidine 627.
Molecular consequence: frameshift variant.
Genome position (GRCh38, 1-based): chr19:58,498,802, G deleted on the plus strand (C on the coding strand, the reverse complement: SLC27A5 is on the minus strand); the first of 6 consecutive G bases (chr19:58,498,802-58,498,807); deleting any one gives the same sequence. VCF-style (leftmost placement, unchanged base first): chr19-58498801-TG-T. GRCh37 (hg19) VCF-style: chr19-59010168-TG-T.
Other names: c.1627del, p.His543fs (NM_001321196.2); short protein forms H543fs, H627fs.
Identifiers: ClinVar variation 3626673 (VCV003626673.2).